The following is an entry in ClinVar:

ClinVar aggregate classification (germline): Uncertain significance. Review status: criteria provided, multiple submitters, no conflicts (2 of 4 stars). 3 submissions from 3 submitters: Uncertain significance (3). Last evaluated 2025-05-22.

Conditions:
PRX-related disorder. Also called: PRX-related condition; PRX-Related Disorders.
Charcot-Marie-Tooth disease type 4. Also called: Charcot-Marie-Tooth, Type 4; Charcot-Marie-Tooth disease, type IV. Identifiers: Orphanet 64749, MedGen C4082197, MONDO:0018995.

Allele frequency attached by ClinVar (database versions not stated): ExAC 0.00001; gnomAD exomes 0.00001 and 0.00003; TOPMed 0.00002; gnomAD 0.00003.
gnomAD v4.1: 53 of 1,613,640 alleles (0.0033%); highest among the groups gnomAD compares: Non-Finnish European, 0.0044%; no homozygotes.

Submissions (3):

PreventionGenetics, part of Exact Sciences
Classification: Uncertain significance for PRX-related condition. Last evaluated: 2025-05-22. Review status: criteria provided, single submitter. Criteria: ACMG Guidelines, 2015. Collection method: clinical testing. Allele origin: germline.
Comment: The PRX c.1752G>C variant is predicted to result in the amino acid substitution p.Glu584Asp. To our knowledge, this variant has not been reported in the literature. This variant is reported in 0.0031% of alleles in individuals of European (non-Finnish) descent in gnomAD. At this time, the clinical significance of this variant is uncertain due to the absence of conclusive functional and genetic evidence.

Labcorp Genetics (formerly Invitae), Labcorp
Classification: Uncertain significance for Charcot-Marie-Tooth disease type 4. Last evaluated: 2022-08-09. Review status: criteria provided, single submitter. Criteria: Invitae Variant Classification Sherloc (09022015). Collection method: clinical testing. Allele origin: germline.
Comment: This sequence change replaces glutamic acid, which is acidic and polar, with aspartic acid, which is acidic and polar, at codon 584 of the PRX protein (p.Glu584Asp). This variant is present in population databases (rs759029769, gnomAD 0.003%). This variant has not been reported in the literature in individuals affected with PRX-related conditions. ClinVar contains an entry for this variant (Variation ID: 805247). Algorithms developed to predict the effect of missense changes on protein structure and function output the following: SIFT: "Tolerated"; PolyPhen-2: "Benign"; Align-GVGD: "Class C0". The aspartic acid amino acid residue is found in multiple mammalian species, which suggests that this missense change does not adversely affect protein function. In summary, the available evidence is currently insufficient to determine the role of this variant in disease. Therefore, it has been classified as a Variant of Uncertain Significance.

Athena Diagnostics
Classification: Uncertain significance. Last evaluated: 2019-05-14. Review status: criteria provided, single submitter. Criteria: Athena Diagnostics Criteria. Collection method: clinical testing. Allele origin: germline.

Literature cited by the submitters: PubMed 25614874 (cited by Athena Diagnostics).

NM_181882.3(PRX):c.1752G>C (p.Glu584Asp)

Gene: PRX (periaxin; minus strand). Cytogenetic location: 19q13.2.
Variant type: single nucleotide variant.
Coding change: c.1752G>C on transcript NM_181882.3 (MANE Select); coding-DNA position 1752, G replaced by C.
Protein change: p.Glu584Asp; replaces glutamic acid 584 with aspartic acid.
Molecular consequence: missense variant. On other transcripts: 3 prime UTR variant (1).
Genome position (GRCh38, 1-based): chr19:40,396,600, C>G on the plus strand (G>C on the coding strand, the complement: PRX is on the minus strand). VCF-style: chr19-40396600-C-G. GRCh37 (hg19) VCF-style: chr19-40902507-C-G.
Other names: c.*1957G>C (NM_020956.2); short protein forms E584D.
Identifiers: ClinVar variation 805247 (VCV000805247.8), dbSNP rs759029769, ClinGen allele CA9444204.
Genomic context (GRCh38, chr19:40,396,600, plus strand): 5'-TTGCACTTCAGGGAGTTTCATCTCAGGAAGTTTCATCTCAGGCACCTTTGGAAGCTTCAT[C>G]TCAGGGACTTTCATCTCTGGCACTTTCGGCAGCTGCACCTCTGGAAGCCGCACCTCTGGC-3'
Protein context (NP_870998.2, residues 574-594): LPKVPEMKVP[Glu584Asp]MKLPKVPEMK